The following is an entry in ClinVar:

NM_001378452.1(ITPR1):c.4541G>A (p.Arg1514His)

Gene: ITPR1 (inositol 1,4,5-trisphosphate receptor type 1; plus strand). Cytogenetic location: 3p26.1.
Variant type: single nucleotide variant.
Coding change: c.4541G>A on transcript NM_001378452.1 (MANE Select); coding-DNA position 4541, G replaced by A.
Protein change: p.Arg1514His; replaces arginine 1514 with histidine.
Molecular consequence: missense variant.
Genome position (GRCh38, 1-based): chr3:4,702,834, G>A. VCF-style: chr3-4702834-G-A. GRCh37 (hg19) VCF-style: chr3-4744518-G-A.
Other names: c.4514G>A, p.Arg1505His (NM_001099952.4); c.4496G>A, p.Arg1499His (NM_001168272.2); c.4469G>A, p.Arg1490His (NM_002222.7); c.4469G>A (NM_002222.5); short protein forms R1499H, R1505H, R1514H, R1490H.
Identifiers: ClinVar variation 1028571 (VCV001028571.4), dbSNP rs749048534, ClinGen allele CA2232045.

ClinVar aggregate classification (germline): Uncertain significance. Review status: criteria provided, multiple submitters, no conflicts (2 of 4 stars). 3 submissions from 3 submitters: Uncertain significance (3). Last evaluated 2025-01-26.

Conditions:
Spinocerebellar ataxia type 15/16 (SCA15). Also called: Spinocerebellar Ataxia Type 15. Identifiers: Orphanet 98769, MedGen C1847725, MONDO:0011694, OMIM 606658.
Inborn genetic diseases. Identifiers: MedGen C0950123, MeSH D030342.

Allele frequency attached by ClinVar (database versions not stated): gnomAD exomes below 0.00001; ExAC 0.00001; gnomAD 0.00001 and 0.00002; TOPMed 0.00002.
gnomAD v4.1: 9 of 1,613,312 alleles (0.00056%); highest among the groups gnomAD compares: African/African-American, 0.0027%; no homozygotes.

Submissions (3):

Ambry Genetics
Classification: Uncertain significance for Inborn genetic diseases. Last evaluated: 2025-01-26. Review status: criteria provided, single submitter. Criteria: Ambry Variant Classification Scheme 2023. Collection method: clinical testing. Allele origin: germline.

Labcorp Genetics (formerly Invitae), Labcorp
Classification: Uncertain significance. Last evaluated: 2024-07-01. Review status: criteria provided, single submitter. Criteria: Invitae Variant Classification Sherloc (09022015). Collection method: clinical testing. Allele origin: germline.
Comment: This sequence change replaces arginine, which is basic and polar, with histidine, which is basic and polar, at codon 1490 of the ITPR1 protein (p.Arg1490His). The frequency data for this variant in the population databases is considered unreliable, as metrics indicate poor data quality at this position in the gnomAD database. This variant has not been reported in the literature in individuals affected with ITPR1-related conditions. ClinVar contains an entry for this variant (Variation ID: 1028571). Advanced modeling of protein sequence and biophysical properties (such as structural, functional, and spatial information, amino acid conservation, physicochemical variation, residue mobility, and thermodynamic stability) performed at Invitae indicates that this missense variant is not expected to disrupt ITPR1 protein function with a negative predictive value of 95%. In summary, the available evidence is currently insufficient to determine the role of this variant in disease. Therefore, it has been classified as a Variant of Uncertain Significance.

Baylor Genetics
Classification: Uncertain significance for Spinocerebellar ataxia type 15/16. Last evaluated: 2019-12-09. Review status: criteria provided, single submitter. Criteria: ACMG Guidelines, 2015. Collection method: clinical testing. Allele origin: unknown. Affected: yes.
Comment: This variant was determined to be of uncertain significance according to ACMG Guidelines, 2015 [PMID:25741868].